The following is an entry in ClinVar:

NM_001792.5(CDH2):c.2144T>C (p.Ile715Thr)

Gene: CDH2 (cadherin 2; minus strand). Cytogenetic location: 18q12.1.
Variant type: single nucleotide variant.
Coding change: c.2144T>C on transcript NM_001792.5 (MANE Select); coding-DNA position 2144, T replaced by C.
Protein change: p.Ile715Thr; replaces isoleucine 715 with threonine.
Molecular consequence: missense variant.
Genome position (GRCh38, 1-based): chr18:27,985,065, A>G on the plus strand (T>C on the coding strand, the complement: CDH2 is on the minus strand). VCF-style: chr18-27985065-A-G. GRCh37 (hg19) VCF-style: chr18-25565029-A-G.
Other names: c.2051T>C, p.Ile684Thr (NM_001308176.2); short protein forms I684T, I715T.
Identifiers: ClinVar variation 3364312 (VCV003364312.1).

ClinVar aggregate classification (germline): Uncertain significance (1 of 4 stars; one submission).

Submission:

GeneDx
Classification: Uncertain significance. Last evaluated: 2023-11-27. Review status: criteria provided, single submitter. Criteria: GeneDx Variant Classification Process June 2021. Collection method: clinical testing. Allele origin: germline. Affected: yes.
Comment: Not observed at significant frequency in large population cohorts (gnomAD); In silico analysis supports that this missense variant does not alter protein structure/function; Has not been previously published as pathogenic or benign to our knowledge